The following is an entry in ClinVar:

ClinVar aggregate classification (germline): Uncertain significance (1 of 4 stars; one submission).

Conditions:
Duchenne muscular dystrophy (DMD). Also called: MUSCULAR DYSTROPHY, PSEUDOHYPERTROPHIC PROGRESSIVE, DUCHENNE TYPE; Duchenne Muscular Dystrophy (DMD). Identifiers: Orphanet 98896, MedGen C0013264, MONDO:0010679, OMIM 310200.

Submission:

Labcorp Genetics (formerly Invitae), Labcorp
Classification: Uncertain significance for Duchenne muscular dystrophy. Last evaluated: 2022-04-15. Review status: criteria provided, single submitter. Criteria: Invitae Variant Classification Sherloc (09022015). Collection method: clinical testing. Allele origin: germline.
Comment: In summary, the available evidence is currently insufficient to determine the role of this variant in disease. Therefore, it has been classified as a Variant of Uncertain Significance. Algorithms developed to predict the effect of missense changes on protein structure and function are either unavailable or do not agree on the potential impact of this missense change (SIFT: "Tolerated"; PolyPhen-2: "Probably Damaging"; Align-GVGD: "Class C0"). This variant has not been reported in the literature in individuals affected with DMD-related conditions. This variant is not present in population databases (gnomAD no frequency). This sequence change replaces glycine, which is neutral and non-polar, with aspartic acid, which is acidic and polar, at codon 1822 of the DMD protein (p.Gly1822Asp).

NM_004006.3(DMD):c.5465G>A (p.Gly1822Asp)

Gene: DMD (dystrophin; minus strand). Cytogenetic location: Xp21.1.
Variant type: single nucleotide variant.
Coding change: c.5465G>A on transcript NM_004006.3 (MANE Select); coding-DNA position 5465, G replaced by A.
Protein change: p.Gly1822Asp; replaces glycine 1822 with aspartic acid.
Molecular consequence: missense variant.
Genome position (GRCh38, 1-based): chrX:32,346,064, C>T on the plus strand (G>A on the coding strand, the complement: DMD is on the minus strand). VCF-style: chrX-32346064-C-T. GRCh37 (hg19) VCF-style: chrX-32364181-C-T.
Other names: c.5441G>A, p.Gly1814Asp (NM_000109.4); c.5453G>A, p.Gly1818Asp (NM_004009.3); c.5096G>A, p.Gly1699Asp (NM_004010.3); c.1442G>A, p.Gly481Asp (NM_004011.4); c.1433G>A, p.Gly478Asp (NM_004012.4); short protein forms G1814D, G478D, G1699D, G1818D, G1822D, G481D.
Identifiers: ClinVar variation 2126612 (VCV002126612.4), dbSNP rs2521968595, ClinGen allele CA412667475.